The following is an entry in ClinVar:

ClinVar aggregate classification (germline): Uncertain significance (1 of 4 stars; one submission).

Conditions:
SHROOM3-related disorder. Also called: SHROOM3-related condition.

gnomAD v4.1: 2 of 1,550,680 alleles (0.00013%); highest among the groups gnomAD compares: Non-Finnish European, 0.00017%; no homozygotes.

Submission:

PreventionGenetics, part of Exact Sciences
Classification: Uncertain significance for SHROOM3-related condition. Last evaluated: 2022-08-22. Review status: criteria provided, single submitter. Criteria: ACMG Guidelines, 2015. Collection method: clinical testing. Allele origin: germline.
Comment: The SHROOM3 c.3499C>T variant is predicted to result in the amino acid substitution p.Pro1167Ser. To our knowledge, this variant has not been reported in the literature or in a large population database, indicating this variant is rare. At this time, the clinical significance of this variant is uncertain due to the absence of conclusive functional and genetic evidence.

NM_020859.4(SHROOM3):c.3499C>T (p.Pro1167Ser)

Genes: SHROOM3 (shroom family member 3; plus strand), SHROOM3-AS1 (SHROOM3 antisense RNA 1; minus strand). Cytogenetic location: 4q21.1.
Variant type: single nucleotide variant.
Coding change: c.3499C>T on transcript NM_020859.4 (MANE Select); coding-DNA position 3499, C replaced by T.
Protein change: p.Pro1167Ser; replaces proline 1167 with serine.
Molecular consequence: missense variant.
Genome position (GRCh38, 1-based): chr4:76,741,672, C>T. VCF-style: chr4-76741672-C-T. GRCh37 (hg19) VCF-style: chr4-77662825-C-T.
Other names: short protein forms P1167S.
Identifiers: ClinVar variation 2636516 (VCV002636516.1), dbSNP rs2476042934, ClinGen allele CA357347482.